The following is an entry in ClinVar:

ClinVar aggregate classification (germline): Uncertain significance (1 of 4 stars; one submission).

gnomAD v4.1: 11 of 1,612,648 alleles (0.00068%); highest among the groups gnomAD compares: Non-Finnish European, 0.00093%; no homozygotes.

Submission:

Labcorp Genetics (formerly Invitae), Labcorp
Classification: Uncertain significance. Last evaluated: 2024-04-17. Review status: criteria provided, single submitter. Criteria: Invitae Variant Classification Sherloc (09022015). Collection method: clinical testing. Allele origin: germline.
Comment: This sequence change replaces histidine, which is basic and polar, with arginine, which is basic and polar, at codon 91 of the ADAMTSL4 protein (p.His91Arg). This variant is present in population databases (rs754709263, gnomAD 0.0009%). This variant has not been reported in the literature in individuals affected with ADAMTSL4-related conditions. Advanced modeling of protein sequence and biophysical properties (such as structural, functional, and spatial information, amino acid conservation, physicochemical variation, residue mobility, and thermodynamic stability) performed at Invitae indicates that this missense variant is not expected to disrupt ADAMTSL4 protein function with a negative predictive value of 80%. In summary, the available evidence is currently insufficient to determine the role of this variant in disease. Therefore, it has been classified as a Variant of Uncertain Significance.

NM_019032.6(ADAMTSL4):c.272A>G (p.His91Arg)

Genes: ADAMTSL4 (ADAMTS like 4; plus strand), ADAMTSL4-AS2 (ADAMTSL4 antisense RNA 2; minus strand). Cytogenetic location: 1q21.2.
Variant type: single nucleotide variant.
Coding change: c.272A>G on transcript NM_019032.6 (MANE Select); coding-DNA position 272, A replaced by G.
Protein change: p.His91Arg; replaces histidine 91 with arginine.
Molecular consequence: missense variant.
Genome position (GRCh38, 1-based): chr1:150,553,091, A>G. VCF-style: chr1-150553091-A-G. GRCh37 (hg19) VCF-style: chr1-150525567-A-G.
Other names: c.272A>G, p.His91Arg (NM_001288607.2, NM_001288608.2, NM_001378596.1 and 1 more transcripts); short protein forms H91R.
Identifiers: ClinVar variation 3650284 (VCV003650284.2).
Genomic context (GRCh38, chr1:150,553,091, plus strand): 5'-GTCAGCTCCCTACAGTGCAGCTCCACCCGAGTCTGCCCCTCCCTCCCCGGCCCCCAAGAC[A>G]TCCAGAAGCCCTCCTCCCCCGGGGCCAGGGTCCCAGACCCCAGACTTCTCCAGAAACCCT-3'
Protein context (NP_061905.2, residues 81-101): SLPLPPRPPR[His91Arg]PEALLPRGQG